The following is an entry in ClinVar:

ClinVar aggregate classification (germline): Uncertain significance. Review status: criteria provided, multiple submitters, no conflicts (2 of 4 stars). 2 submissions from 2 submitters: Uncertain significance (2). Last evaluated 2025-12-10.

Conditions:
Nephrotic syndrome 16. Identifiers: MedGen C4540453, MONDO:0033280, OMIM 617783.
Wooly hair-palmoplantar keratoderma syndrome. Also called: Palmoplantar keratoderma and woolly hair; Woolly hair-palmoplantar keratoderma syndrome. Identifiers: Orphanet 420686, MedGen C4015202, MONDO:0014492, OMIM 616099.

Allele frequency attached by ClinVar (database versions not stated): ExAC 0.00014; gnomAD exomes 0.00017 and 0.00045; gnomAD 0.00024 and 0.00025; TOPMed 0.00026; ESP Exome Variant Server 0.00054.
gnomAD v4.1: 649 of 1,524,802 alleles (0.043%); highest among the groups gnomAD compares: Non-Finnish European, 0.055%; 1 homozygote.

Submissions (2):

Labcorp Genetics (formerly Invitae), Labcorp
Classification: Uncertain significance. Last evaluated: 2025-12-10. Review status: criteria provided, single submitter. Criteria: Invitae Variant Classification Sherloc (09022015). Collection method: clinical testing. Allele origin: germline.
Comment: This sequence change replaces valine, which is neutral and non-polar, with methionine, which is neutral and non-polar, at codon 502 of the KANK2 protein (p.Val502Met). This variant is present in population databases (rs147580567, gnomAD 0.03%). This variant has not been reported in the literature in individuals affected with KANK2-related conditions. ClinVar contains an entry for this variant (Variation ID: 1432926). An algorithm developed to predict the effect of missense changes on protein structure and function (PolyPhen-2) suggests that this variant is likely to be tolerated. In summary, the available evidence is currently insufficient to determine the role of this variant in disease. Therefore, it has been classified as a Variant of Uncertain Significance.

Fulgent Genetics
Classification: Uncertain significance for Wooly hair-palmoplantar keratoderma syndrome; Nephrotic syndrome 16. Last evaluated: 2021-09-21. Review status: criteria provided, single submitter. Criteria: ACMG Guidelines, 2015. Collection method: clinical testing. Allele origin: unknown.

NM_001136191.3(KANK2):c.1504G>A (p.Val502Met)

Gene: KANK2 (KN motif and ankyrin repeat domains 2; minus strand). Cytogenetic location: 19p13.2.
Variant type: single nucleotide variant.
Coding change: c.1504G>A on transcript NM_001136191.3 (MANE Select); coding-DNA position 1504, G replaced by A.
Protein change: p.Val502Met; replaces valine 502 with methionine.
Molecular consequence: missense variant.
Genome position (GRCh38, 1-based): chr19:11,178,361, C>T on the plus strand (G>A on the coding strand, the complement: KANK2 is on the minus strand). VCF-style: chr19-11178361-C-T. GRCh37 (hg19) VCF-style: chr19-11289037-C-T.
Other names: c.1504G>A, p.Val502Met (NM_001329451.2, NM_001379555.1, NM_001379556.1 and 7 more transcripts); c.1528G>A, p.Val510Met (NM_001379548.1, NM_001379549.1, NM_001379550.1 and 5 more transcripts); short protein forms V502M, V510M.
Identifiers: ClinVar variation 1432926 (VCV001432926.7), dbSNP rs147580567, ClinGen allele CA9205652.